The following is an entry in ClinVar:

ClinVar aggregate classification (germline): Uncertain significance (1 of 4 stars; one submission).

gnomAD v4.1: 35 of 1,181,930 alleles (0.003%); highest among the groups gnomAD compares: Non-Finnish European, 0.0037%; no homozygotes.

Submission:

Ambry Genetics
Classification: Uncertain significance. Last evaluated: 2026-02-25. Review status: criteria provided, single submitter. Criteria: Ambry Variant Classification Scheme 2023. Collection method: clinical testing. Allele origin: germline.
Comment: The c.1154A>T (p.N385I) alteration is located in exon 7 (coding exon 7) of the RNF128 gene. This alteration results from a A to T substitution at nucleotide position 1154, causing the asparagine (N) at amino acid position 385 to be replaced by an isoleucine (I). Based on data from gnomAD, the T allele has an overall frequency of 0.005% (1/21786) total alleles studied. The highest observed frequency was 0.009% (1/10780) of European (non-Finnish) alleles. Based on insufficient or conflicting evidence, the clinical significance of this alteration remains unclear.

NM_194463.2(RNF128):c.1154A>T (p.Asn385Ile)

Gene: RNF128 (ring finger protein 128; plus strand). Cytogenetic location: Xq22.3.
Variant type: single nucleotide variant.
Coding change: c.1154A>T on transcript NM_194463.2 (MANE Select); coding-DNA position 1154, A replaced by T.
Protein change: p.Asn385Ile; replaces asparagine 385 with isoleucine.
Molecular consequence: missense variant.
Genome position (GRCh38, 1-based): chrX:106,795,580, A>T. VCF-style: chrX-106795580-A-T. GRCh37 (hg19) VCF-style: chrX-106038810-A-T.
Other names: c.1076A>T, p.Asn359Ile (NM_024539.3); short protein forms N385I, N359I.
Identifiers: ClinVar variation 4829604 (VCV004829604.1).